The following is an entry in ClinVar:

NM_001378687.1(ATP2C1):c.616A>C (p.Thr206Pro)

Gene: ATP2C1 (ATPase secretory pathway Ca2+ transporting 1; plus strand). Cytogenetic location: 3q22.1.
Variant type: single nucleotide variant.
Coding change: c.616A>C on transcript NM_001378687.1 (MANE Select); coding-DNA position 616, A replaced by C.
Protein change: p.Thr206Pro; replaces threonine 206 with proline.
Molecular consequence: missense variant.
Genome position (GRCh38, 1-based): chr3:130,953,905, A>C. VCF-style: chr3-130953905-A-C. GRCh37 (hg19) VCF-style: chr3-130672749-A-C.
Other names: c.616A>C, p.Thr206Pro (NM_001001485.3, NM_001001486.2, NM_001001487.2 and 5 more transcripts); c.718A>C, p.Thr240Pro (NM_001199180.2, NM_001199181.3, NM_001378511.1); c.601A>C, p.Thr201Pro (NM_001199182.2); c.568A>C, p.Thr190Pro (NM_001199183.2, NM_001199184.3, NM_001378514.1); short protein forms T201P, T240P, T206P, T190P.
Identifiers: ClinVar variation 1810653 (VCV001810653.1), dbSNP rs2060474424, ClinGen allele CA354536127.

ClinVar aggregate classification (germline): Uncertain significance (1 of 4 stars; one submission).

Allele frequency attached by ClinVar (database versions not stated): TOPMed below 0.00001.

Submission:

GeneDx
Classification: Uncertain significance. Last evaluated: 2022-07-06. Review status: criteria provided, single submitter. Criteria: GeneDx Variant Classification Process June 2021. Collection method: clinical testing. Allele origin: germline. Affected: yes.
Comment: Not observed at significant frequency in large population cohorts (gnomAD); Missense variants in this gene are often considered pathogenic (HGMD); In silico analysis supports that this missense variant has a deleterious effect on protein structure/function; Has not been previously published as pathogenic or benign to our knowledge